The following is an entry in ClinVar:

NM_001365951.3(KIF1B):c.*2247G>A

Gene: KIF1B (kinesin family member 1B; plus strand). Cytogenetic location: 1p36.22.
Variant type: single nucleotide variant.
Coding change: c.*2247G>A on transcript NM_001365951.3 (MANE Select); 2247 bases downstream of the stop codon, G replaced by A.
Molecular consequence: 3 prime UTR variant.
Genome position (GRCh38, 1-based): chr1:10,378,834, G>A. VCF-style: chr1-10378834-G-A. GRCh37 (hg19) VCF-style: chr1-10438892-G-A.
Other names: c.*2247G>A (NM_001365952.1, NM_015074.3).
Identifiers: ClinVar variation 291619 (VCV000291619.6), dbSNP rs1002076, ClinGen allele CA10607245.

ClinVar aggregate classification (germline): Benign. Review status: criteria provided, multiple submitters, no conflicts (2 of 4 stars). 2 submissions from 2 submitters: Benign (2). Last evaluated 2018-01-13.

Conditions:
Neuroblastoma (NB). Identifiers: Orphanet 635, MedGen C0027819, MeSH D009447, MONDO:0005072, HP:0003006.

Allele frequency attached by ClinVar (database versions not stated): gnomAD 0.32846 and 0.32711; TOPMed 0.33222; 1000 Genomes Project 30x 0.33916; gnomAD exomes 0.32362; 1000 Genomes Project 0.33367.
gnomAD v4.1: 78,404 of 239,954 alleles (33%); highest among the groups gnomAD compares: Admixed American, 37%; 12,986 homozygotes.

Submissions (2):

Illumina Laboratory Services, Illumina
Classification: Benign for Neuroblastoma. Last evaluated: 2018-01-13. Review status: criteria provided, single submitter. Criteria: ICSL Variant Classification Criteria 13 December 2019. Collection method: clinical testing. Allele origin: germline.
Comment: This variant was observed in the ICSL laboratory as part of a predisposition screen in an ostensibly healthy population. It had not been previously curated by ICSL or reported in the Human Gene Mutation Database (HGMD: prior to June 1st, 2018), and was therefore a candidate for classification through an automated scoring system. Utilizing variant allele frequency, disease prevalence and penetrance estimates, and inheritance mode, an automated score was calculated to assess if this variant is too frequent to cause the disease. Based on the score and internal cut-off values, a variant classified as benign is not then subjected to further curation. The score for this variant resulted in a classification of benign for this disease.

Breakthrough Genomics
Classification: Benign. Review status: criteria provided, single submitter. Criteria: ACMG Guidelines, 2015. Collection method: not provided. Allele origin: germline. Inheritance: Autosomal dominant inheritance. Affected: yes.